The following is an entry in ClinVar:

NM_024496.4(IRF2BPL):c.321_323del (p.Gln127del)

Genes: IRF2BPL (interferon regulatory factor 2 binding protein like; minus strand), LOC107984638 (uncharacterized LOC107984638; plus strand). Cytogenetic location: 14q24.3.
Variant type: Deletion.
Coding change: c.321_323del on transcript NM_024496.4 (MANE Select); coding-DNA positions 321 to 323, 3 bases deleted (ACA; older notation c.321_323delACA).
Protein change: p.Gln127del; deletes glutamine 127.
Molecular consequence: inframe deletion.
Genome position (GRCh38, 1-based): chr14:77,027,470-77,027,472, TGT deleted on the plus strand (ACA on the coding strand, the reverse complement: IRF2BPL is on the minus strand); deleting any 3 consecutive bases within chr14:77,027,470-77,027,474 gives the same sequence; the c. name uses the placement nearest the transcript's 3' end. VCF-style (leftmost placement, unchanged base first): chr14-77027469-CTGT-C. GRCh37 (hg19) VCF-style: chr14-77493812-CTGT-C.
Other names: p.Gln127del; short protein forms Q127del.
Identifiers: ClinVar variation 1675545 (VCV001675545.34), dbSNP rs781248415, ClinGen allele CA7284030.
Genomic context (GRCh38, chr14:77,027,469, plus strand): 5'-GAGCTGTTGTTGCTGCTGCTGCTGCTGCTGCTGCTGCTGCTGTTGCTGCTGCTGCTGCTG[CTGT>C]TGCTGTTGCTGTTGCGCGGCGGCGGCGGCGGCCGCCGCTGCTGCCGCCGCCGCCGCCGCT-3'

ClinVar aggregate classification (germline): Benign. Review status: criteria provided, multiple submitters, no conflicts (2 of 4 stars). 2 submissions from 2 submitters: Benign (2). Last evaluated 2026-05-01.

Submissions (2):

CeGaT Center for Human Genetics Tuebingen
Classification: Benign. Last evaluated: 2026-05-01. Review status: criteria provided, single submitter. Criteria: CeGaT Center For Human Genetics Tuebingen Variant Classification Criteria Version 2. Collection method: clinical testing. Allele origin: germline. Affected: yes. Observed: 25 variant alleles.
Comment: IRF2BPL: BS1, BS2

Mayo Clinic Laboratories, Mayo Clinic
Classification: Benign. Last evaluated: 2025-07-29. Review status: criteria provided, single submitter. Criteria: ACMG Guidelines, 2015. Collection method: clinical testing. Allele origin: germline. Observed: 1 variant allele.
Comment: BA1, BP3